The following is an entry in ClinVar:

NM_003718.5(CDK13):c.404G>C (p.Ser135Thr)

Genes: CDK13 (cyclin dependent kinase 13; plus strand), LOC129998292 (ATAC-STARR-seq lymphoblastoid silent region 18115; plus strand). Cytogenetic location: 7p14.1.
Variant type: single nucleotide variant.
Coding change: c.404G>C on transcript NM_003718.5 (MANE Select); coding-DNA position 404, G replaced by C.
Protein change: p.Ser135Thr; replaces serine 135 with threonine.
Molecular consequence: missense variant.
Genome position (GRCh38, 1-based): chr7:39,951,045, G>C. VCF-style: chr7-39951045-G-C. GRCh37 (hg19) VCF-style: chr7-39990644-G-C.
Other names: c.404G>C, p.Ser135Thr (NM_031267.4); short protein forms S135T.
Identifiers: ClinVar variation 3671477 (VCV003671477.4).

ClinVar aggregate classification (germline): Uncertain significance. Review status: criteria provided, multiple submitters, no conflicts (2 of 4 stars). 2 submissions from 2 submitters: Uncertain significance (2). Last evaluated 2026-03-26.

Submissions (2):

Dasa
Classification: Uncertain significance. Last evaluated: 2026-03-26. Review status: criteria provided, single submitter. Criteria: DASA Assertion Criteria. Collection method: clinical testing. Allele origin: germline.
Comment: NM_003718.5(CDK13):c.404G>C (p.Ser135Thr) is a missense variant that results in the substitution of serine with threonine. This variant is rare in population databases. Computational prediction algorithms are consistent with a benign effect. The currently available literature and clinical evidence are not sufficient to establish a definitive association between this variant and the reported condition. Therefore, this variant is classified as a variant of uncertain significance.

Labcorp Genetics (formerly Invitae), Labcorp
Classification: Uncertain significance. Last evaluated: 2024-05-27. Review status: criteria provided, single submitter. Criteria: Invitae Variant Classification Sherloc (09022015). Collection method: clinical testing. Allele origin: germline.
Comment: This sequence change replaces serine, which is neutral and polar, with threonine, which is neutral and polar, at codon 135 of the CDK13 protein (p.Ser135Thr). This variant is not present in population databases (gnomAD no frequency). This variant has not been reported in the literature in individuals affected with CDK13-related conditions. Advanced modeling of protein sequence and biophysical properties (such as structural, functional, and spatial information, amino acid conservation, physicochemical variation, residue mobility, and thermodynamic stability) performed at Invitae indicates that this missense variant is not expected to disrupt CDK13 protein function with a negative predictive value of 95%. In summary, the available evidence is currently insufficient to determine the role of this variant in disease. Therefore, it has been classified as a Variant of Uncertain Significance.